The following is an entry in ClinVar:

NM_001042492.3(NF1):c.368C>T (p.Thr123Ile)

Gene: NF1 (neurofibromin 1; plus strand). Cytogenetic location: 17q11.2.
Variant type: single nucleotide variant.
Coding change: c.368C>T on transcript NM_001042492.3 (MANE Select); coding-DNA position 368, C replaced by T.
Protein change: p.Thr123Ile; replaces threonine 123 with isoleucine.
Molecular consequence: missense variant.
Genome position (GRCh38, 1-based): chr17:31,163,265, C>T. VCF-style: chr17-31163265-C-T. GRCh37 (hg19) VCF-style: chr17-29490283-C-T.
Other names: c.368C>T, p.Thr123Ile (NM_000267.4, NM_001128147.3); short protein forms T123I.
Identifiers: ClinVar variation 237553 (VCV000237553.5), dbSNP rs878853886, ClinGen allele CA10583461.

ClinVar aggregate classification (germline): Uncertain significance (1 of 4 stars; one submission).

Conditions:
Neurofibromatosis, type 1 (NF1). Also called: VON RECKLINGHAUSEN DISEASE; NEUROFIBROMATOSIS, TYPE I, SOMATIC; Peripheral type neurofibromatosis; Neurofibromatosis, type I. Identifiers: Orphanet 636, MedGen C0027831, MONDO:0018975, OMIM 162200. Disease mechanism: loss of function.

gnomAD v4.1: 1 of 1,614,062 alleles (0.000062%); highest among the groups gnomAD compares: Non-Finnish European, 0.000085%; no homozygotes.

Submission:

Labcorp Genetics (formerly Invitae), Labcorp
Classification: Uncertain significance for Neurofibromatosis, type 1. Last evaluated: 2024-02-19. Review status: criteria provided, single submitter. Criteria: Invitae Variant Classification Sherloc (09022015). Collection method: clinical testing. Allele origin: germline.
Comment: This sequence change replaces threonine, which is neutral and polar, with isoleucine, which is neutral and non-polar, at codon 123 of the NF1 protein (p.Thr123Ile). This variant is not present in population databases (gnomAD no frequency). This variant has not been reported in the literature in individuals affected with NF1-related conditions. ClinVar contains an entry for this variant (Variation ID: 237553). Advanced modeling of protein sequence and biophysical properties (such as structural, functional, and spatial information, amino acid conservation, physicochemical variation, residue mobility, and thermodynamic stability) performed at Invitae indicates that this missense variant is not expected to disrupt NF1 protein function with a negative predictive value of 95%. In summary, the available evidence is currently insufficient to determine the role of this variant in disease. Therefore, it has been classified as a Variant of Uncertain Significance.